The following is an entry in ClinVar:

ClinVar aggregate classification (germline): Uncertain significance (1 of 4 stars; one submission).

Submission:

GeneDx
Classification: Uncertain significance. Last evaluated: 2025-06-04. Review status: criteria provided, single submitter. Criteria: GeneDx Variant Classification Process June 2021. Collection method: clinical testing. Allele origin: germline. Affected: yes.
Comment: Not observed at significant frequency in large population cohorts (gnomAD); In silico analysis supports that this missense variant has a deleterious effect on protein structure/function; Has not been previously published as pathogenic or benign to our knowledge

NM_201599.3(ZMYM3):c.20C>T (p.Pro7Leu)

Gene: ZMYM3 (zinc finger MYM-type containing 3; minus strand). Cytogenetic location: Xq13.1.
Variant type: single nucleotide variant.
Coding change: c.20C>T on transcript NM_201599.3 (MANE Select); coding-DNA position 20, C replaced by T.
Protein change: p.Pro7Leu; replaces proline 7 with leucine.
Molecular consequence: missense variant.
Genome position (GRCh38, 1-based): chrX:71,253,236, G>A on the plus strand (C>T on the coding strand, the complement: ZMYM3 is on the minus strand). VCF-style: chrX-71253236-G-A. GRCh37 (hg19) VCF-style: chrX-70473086-G-A.
Other names: c.20C>T, p.Pro7Leu (NM_001171162.1, NM_001171163.1, NM_005096.3); short protein forms P7L.
Identifiers: ClinVar variation 4536417 (VCV004536417.1).